The following is an entry in ClinVar:

ClinVar aggregate classification (germline): Uncertain significance. Review status: criteria provided, multiple submitters, no conflicts (2 of 4 stars). 2 submissions from 2 submitters: Uncertain significance (2). Last evaluated 2025-06-27.

Conditions:
Intellectual developmental disorder, autosomal dominant 29. Also called: SETBP1 Haploinsufficiency Disorder; Intellectual disability, autosomal dominant 29. Identifiers: Orphanet 436151, MedGen C4015141, MONDO:0014482, OMIM 616078.

Submissions (2):

Labcorp Genetics (formerly Invitae), Labcorp
Classification: Uncertain significance. Last evaluated: 2025-06-27. Review status: criteria provided, single submitter. Criteria: Invitae Variant Classification Sherloc (09022015). Collection method: clinical testing. Allele origin: germline.
Comment: This sequence change replaces methionine, which is neutral and non-polar, with lysine, which is basic and polar, at codon 643 of the SETBP1 protein (p.Met643Lys). This variant is not present in population databases (gnomAD no frequency). This variant has not been reported in the literature in individuals affected with SETBP1-related conditions. ClinVar contains an entry for this variant (Variation ID: 3376401). Invitae Evidence Modeling of protein sequence and biophysical properties (such as structural, functional, and spatial information, amino acid conservation, physicochemical variation, residue mobility, and thermodynamic stability) indicates that this missense variant is not expected to disrupt SETBP1 protein function with a negative predictive value of 80%. In summary, the available evidence is currently insufficient to determine the role of this variant in disease. Therefore, it has been classified as a Variant of Uncertain Significance.

Pittsburgh Clinical Genomics Laboratory, University of Pittsburgh Medical Center
Classification: Uncertain significance for Intellectual developmental disorder, autosomal dominant 29. Last evaluated: 2024-06-20. Review status: criteria provided, single submitter. Criteria: ACMG Guidelines, 2015. Collection method: clinical testing. Allele origin: germline. Inheritance: Autosomal dominant inheritance. Affected: yes.
Comment: This sequence variant is a single nucleotide substitution (T>A) at position 1928 of the coding sequence of the SETBP1 gene that results in a methionine to lysine amino acid change at residue 643 of SET binding protein 1. This novel variant is absent from ClinVar, publications, and the gnomAD v4.1.0 population database (0 of approximately 1613000 alleles). Bioinformatic tools are inconclusive if this amino acid change will be damaging or tolerated, and the Met643 residue at this position is highly conserved across the vertebrate species examined. Studies examining the functional consequence of this variant have not been published, to our knowledge. At this time, there is insufficient evidence to determine if this variant is pathogenic or benign. Therefore, we consider this a variant of uncertain significance. ACMG Criteria: PM2

NM_015559.3(SETBP1):c.1928T>A (p.Met643Lys)

Gene: SETBP1 (SET binding protein 1; plus strand). Cytogenetic location: 18q12.3.
Variant type: single nucleotide variant.
Coding change: c.1928T>A on transcript NM_015559.3 (MANE Select); coding-DNA position 1928, T replaced by A.
Protein change: p.Met643Lys; replaces methionine 643 with lysine.
Molecular consequence: missense variant.
Genome position (GRCh38, 1-based): chr18:44,951,268, T>A. VCF-style: chr18-44951268-T-A. GRCh37 (hg19) VCF-style: chr18-42531233-T-A.
Other names: c.1928T>A, p.Met643Lys (NM_001379141.1, NM_001379142.1, NM_001410862.1); short protein forms M643K.
Identifiers: ClinVar variation 3376401 (VCV003376401.2).